The following is an entry in ClinVar:

ClinVar aggregate classification (germline): Uncertain significance. Review status: criteria provided, multiple submitters, no conflicts (2 of 4 stars). 2 submissions from 2 submitters: Uncertain significance (2). Last evaluated 2025-11-05.

Conditions:
Cardiovascular phenotype. Identifiers: MedGen CN230736.
Catecholaminergic polymorphic ventricular tachycardia 1. Also called: VENTRICULAR TACHYCARDIA, CATECHOLAMINERGIC POLYMORPHIC, 1, WITH OR WITHOUT ATRIAL DYSFUNCTION AND/OR DILATED CARDIOMYOPATHY; RYR2-Related Catecholaminergic Polymorphic Ventricular Tachycardia; VENTRICULAR TACHYCARDIA, STRESS-INDUCED POLYMORPHIC 1. Identifiers: Orphanet 3286, MedGen C1631597, MONDO:0011484, OMIM 604772.

Allele frequency attached by ClinVar (database versions not stated): TOPMed 0.00001.

Submissions (2):

Ambry Genetics
Classification: Uncertain significance for Cardiovascular phenotype. Last evaluated: 2025-11-05. Review status: criteria provided, single submitter. Criteria: Ambry Variant Classification Scheme 2023. Collection method: clinical testing. Allele origin: germline.
Comment: The p.D1413V variant (also known as c.4238A>T), located in coding exon 32 of the RYR2 gene, results from an A to T substitution at nucleotide position 4238. The aspartic acid at codon 1413 is replaced by valine, an amino acid with highly dissimilar properties. This amino acid position is well conserved in available vertebrate species. In addition, this alteration is predicted to be deleterious by in silico analysis. Based on the available evidence, the clinical significance of this variant remains unclear.

Labcorp Genetics (formerly Invitae), Labcorp
Classification: Uncertain significance for Catecholaminergic polymorphic ventricular tachycardia 1. Last evaluated: 2022-10-24. Review status: criteria provided, single submitter. Criteria: Invitae Variant Classification Sherloc (09022015). Collection method: clinical testing. Allele origin: germline.
Comment: This sequence change replaces aspartic acid, which is acidic and polar, with valine, which is neutral and non-polar, at codon 1413 of the RYR2 protein (p.Asp1413Val). This variant is not present in population databases (gnomAD no frequency). This variant has not been reported in the literature in individuals affected with RYR2-related conditions. ClinVar contains an entry for this variant (Variation ID: 404200). Advanced modeling of protein sequence and biophysical properties (such as structural, functional, and spatial information, amino acid conservation, physicochemical variation, residue mobility, and thermodynamic stability) performed at Invitae indicates that this missense variant is not expected to disrupt RYR2 protein function. In summary, the available evidence is currently insufficient to determine the role of this variant in disease. Therefore, it has been classified as a Variant of Uncertain Significance.

NM_001035.3(RYR2):c.4238A>T (p.Asp1413Val)

Gene: RYR2 (ryanodine receptor 2; plus strand). Cytogenetic location: 1q43.
Variant type: single nucleotide variant.
Coding change: c.4238A>T on transcript NM_001035.3 (MANE Select); coding-DNA position 4238, A replaced by T.
Protein change: p.Asp1413Val; replaces aspartic acid 1413 with valine.
Molecular consequence: missense variant.
Genome position (GRCh38, 1-based): chr1:237,591,816, A>T. VCF-style: chr1-237591816-A-T. GRCh37 (hg19) VCF-style: chr1-237755116-A-T.
Other names: c.4238A>T, p.Asp1413Val (LRG_402t1); short protein forms D1413V.
Identifiers: ClinVar variation 404200 (VCV000404200.11), dbSNP rs1060500146, ClinGen allele CA16609998.